The following is an entry in ClinVar:

NM_015459.5(ATL3):c.405G>A (p.Lys135=)

Genes: ATL3 (atlastin GTPase 3; minus strand), LNCROPM (lncRNA regulator of PLAAT3 mediated phospholipid metabolism; plus strand). Cytogenetic location: 11q13.1.
Variant type: single nucleotide variant.
Coding change: c.405G>A on transcript NM_015459.5 (MANE Select); coding-DNA position 405, G replaced by A.
Protein change: p.Lys135=; no amino-acid change (lysine 135 retained).
Molecular consequence: synonymous variant.
Genome position (GRCh38, 1-based): chr11:63,658,761, C>T on the plus strand (G>A on the coding strand, the complement: ATL3 is on the minus strand). VCF-style: chr11-63658761-C-T. GRCh37 (hg19) VCF-style: chr11-63426233-C-T.
Other names: c.351G>A, p.Lys117= (NM_001290048.2).
Identifiers: ClinVar variation 851518 (VCV000851518.11), dbSNP rs752775091, ClinGen allele CA6063818.
Genomic context (GRCh38, chr11:63,658,761, plus strand): 5'-TGCTGAAGTTCATATTTTGTTGTTGTTGTTGTTAATCTGTAAGGTCATTTTCATCCTTAC[C>T]TTCTTCCCACCTGGCTTCTCCACAGTGAAAACTTCACTCCAGATTTGAATCCCAGTGGTT-3'
Protein context (NP_056274.3, residues 125-145): VFTVEKPGGK[Lys135=]VAVVLMDTQG

ClinVar aggregate classification (germline): Uncertain significance. Review status: criteria provided, multiple submitters, no conflicts (2 of 4 stars). 3 submissions from 3 submitters: Uncertain significance (3). Last evaluated 2026-04-10.

Conditions:
Neuropathy, hereditary sensory, type 1F. Also called: HSN IF; Hereditary sensory neuropathy type IF. Identifiers: Orphanet 36386, MedGen C3810194, MONDO:0014286, OMIM 615632.
ATL3-related disorder. Also called: ATL3-related condition.

Allele frequency attached by ClinVar (database versions not stated): gnomAD 0.00001; TOPMed 0.00002; gnomAD exomes 0.00003 and 0.00006; ExAC 0.00006.
gnomAD v4.1: 48 of 1,595,000 alleles (0.003%); highest among the groups gnomAD compares: Non-Finnish European, 0.0037%; no homozygotes.

Submissions (4):

GeneDx
Classification: Uncertain significance. Last evaluated: 2026-04-10. Review status: criteria provided, single submitter. Criteria: GeneDx Variant Classification Process June 2021. Collection method: clinical testing. Allele origin: germline.
Comment: Has not been previously published as pathogenic or benign to our knowledge; In silico analysis supports a deleterious effect on splicing

PreventionGenetics, part of Exact Sciences
Classification: Uncertain significance for ATL3-related condition. Last evaluated: 2025-11-06. Review status: criteria provided, single submitter. Criteria: ACMG Guidelines, 2015. Collection method: clinical testing. Allele origin: germline.
Comment: The ATL3 c.405G>A variant is not predicted to result in an amino acid change (p.=). This variant occurs at the last nucleotide of the exon and is predicted to alter splicing based on available splicing prediction programs (SpliceAI, Jaganathan et al. 2019. PubMed ID: 30661751). However, the use of computer prediction programs is not equivalent to functional evidence. To our knowledge, this variant has not been reported in the literature. This variant is reported in 0.011% of alleles in individuals of European (non-Finnish) descent in gnomAD. At this time, the clinical significance of this variant is uncertain due to the absence of conclusive functional and genetic evidence.

Labcorp Genetics (formerly Invitae), Labcorp
Classification: Uncertain significance for Neuropathy, hereditary sensory, type 1F. Last evaluated: 2024-08-01. Review status: criteria provided, single submitter. Criteria: Invitae Variant Classification Sherloc (09022015). Collection method: clinical testing. Allele origin: germline.
Comment: This sequence change affects codon 135 of the ATL3 mRNA. It is a 'silent' change, meaning that it does not change the encoded amino acid sequence of the ATL3 protein. This variant also falls at the last nucleotide of exon 3, which is part of the consensus splice site for this exon. This variant is present in population databases (rs752775091, gnomAD 0.01%). This variant has not been reported in the literature in individuals affected with ATL3-related conditions. ClinVar contains an entry for this variant (Variation ID: 851518). Variants that disrupt the consensus splice site are a relatively common cause of aberrant splicing (PMID: 17576681, 9536098). Algorithms developed to predict the effect of sequence changes on RNA splicing suggest that this variant may disrupt the consensus splice site. In summary, the available evidence is currently insufficient to determine the role of this variant in disease. Therefore, it has been classified as a Variant of Uncertain Significance.

Dr. Peter K. Rogan Lab, Western University
No classification provided (evidence only). Condition: Melanoma. Review status: no classification provided. Collection method: in vitro. Allele origin: not applicable. Functional consequence: retained intron. Not counted in ClinVar's aggregate classification.

Literature cited by the submitters: PubMed 17576681 (cited by Labcorp Genetics (formerly Invitae), Labcorp); PubMed 9536098 (cited by Labcorp Genetics (formerly Invitae), Labcorp).